The following is an entry in ClinVar:

NM_017433.5(MYO3A):c.3503C>T (p.Thr1168Ile)

Gene: MYO3A (myosin IIIA; plus strand). Cytogenetic location: 10p12.1.
Variant type: single nucleotide variant.
Coding change: c.3503C>T on transcript NM_017433.5 (MANE Select); coding-DNA position 3503, C replaced by T.
Protein change: p.Thr1168Ile; replaces threonine 1168 with isoleucine.
Molecular consequence: missense variant.
Genome position (GRCh38, 1-based): chr10:26,173,767, C>T. VCF-style: chr10-26173767-C-T. GRCh37 (hg19) VCF-style: chr10-26462696-C-T.
Other names: short protein forms T1168I.
Identifiers: ClinVar variation 4989709 (VCV004989709.1).

ClinVar aggregate classification (germline): Uncertain significance (1 of 4 stars; one submission).

Conditions:
MYO3A-related disorder. Also called: MYO3A-related condition.

gnomAD v4.1: 50 of 1,613,994 alleles (0.0031%); highest among the groups gnomAD compares: Admixed American, 0.0033%; no homozygotes.

Submission:

PreventionGenetics, part of Exact Sciences
Classification: Uncertain significance for MYO3A-related condition. Last evaluated: 2025-03-29. Review status: criteria provided, single submitter. Criteria: ACMG Guidelines, 2015. Collection method: clinical testing. Allele origin: germline.
Comment: The MYO3A c.3503C>T variant is predicted to result in the amino acid substitution p.Thr1168Ile. To our knowledge, this variant has not been reported in the literature. This variant is reported in 0.012% of alleles in individuals of European (Non-Finnish) descent in gnomAD. At this time, the clinical significance of this variant is uncertain due to the absence of conclusive functional and genetic evidence.